The following is an entry in ClinVar:

NC_000016.9:g.(?_8891695)_(8943183_?)del

Gene: PMM2 (phosphomannomutase 2; plus strand). Cytogenetic location: 16p13.2.
Variant type: Deletion.
Identifiers: ClinVar variation 3339974 (VCV003339974.1).

ClinVar aggregate classification (germline): Pathogenic (1 of 4 stars; one submission).

Conditions:
PMM2-congenital disorder of glycosylation. Also called: PHOSPHOMANNOMUTASE 2 DEFICIENCY; CARBOHYDRATE-DEFICIENT GLYCOPROTEIN SYNDROME, TYPE Ia; Congenital disorder of glycosylation, type Ia; CDG Ia; JAEKEN SYNDROME; PMM2-CDG. Identifiers: Orphanet 79318, MedGen C0349653, MONDO:0008907, OMIM 212065.

Submission:

Women's Health and Genetics/Laboratory Corporation of America, LabCorp
Classification: Pathogenic for PMM2-congenital disorder of glycosylation. Last evaluated: 2024-06-19. Review status: criteria provided, single submitter. Criteria: LabCorp Variant Classification Summary - May 2015. Collection method: clinical testing. Allele origin: germline.
Comment: Variant summary: The variant involves the deletion of exons 1-8 in the PMM2 gene. A presumed nomenclature of c.(?_-45)_(*1501_?)del has been designated for the purposes of this classification. This deletion includes the entire coding sequence of the gene. As the exact proximal and distal breakpoints are unknown, it may extend beyond the annotated region of the gene to include other flanking genes. The variant was absent in 120776 control chromosomes in the gnomAD database (Structural Variants v4.1 dataset). To our knowledge, no occurrence of c.(?_-45)_(*1501_?)del in individuals affected with Congenital Disorder Of Glycosylation Type 1a and no experimental evidence demonstrating its impact on protein function have been reported. ClinVar contains an entry for this variant (Variation ID: 661750). Based on the evidence outlined above, the variant was classified as pathogenic.